The following is an entry in ClinVar:

NM_001351132.2(PEX5):c.1901T>G (p.Met634Arg)

Gene: PEX5 (peroxisomal biogenesis factor 5; plus strand). Cytogenetic location: 12p13.31.
Variant type: single nucleotide variant.
Coding change: c.1901T>G on transcript NM_001351132.2 (MANE Select); coding-DNA position 1901, T replaced by G.
Protein change: p.Met634Arg; replaces methionine 634 with arginine.
Molecular consequence: missense variant.
Genome position (GRCh38, 1-based): chr12:7,210,204, T>G. VCF-style: chr12-7210204-T-G. GRCh37 (hg19) VCF-style: chr12-7362800-T-G.
Other names: c.1877T>G, p.Met626Arg (NM_000319.5); c.1946T>G, p.Met649Arg (NM_001131023.2); c.1790T>G, p.Met597Arg (NM_001131024.2, NM_001351124.3, NM_001351126.2 and 7 more transcripts); c.1901T>G, p.Met634Arg (NM_001131025.2, NM_001131026.2, NM_001300789.3 and 4 more transcripts); c.1835T>G, p.Met612Arg (NM_001351135.3, NM_001351138.2); c.1892T>G, p.Met631Arg (NM_001351136.2); c.1766T>G, p.Met589Arg (NM_001351139.2, NM_001351140.2, NM_001374649.2); short protein forms M589R, M597R, M612R, M626R, M631R, M634R, M649R.
Identifiers: ClinVar variation 1060993 (VCV001060993.6), dbSNP rs751798701, ClinGen allele CA6426620.

ClinVar aggregate classification (germline): Uncertain significance (1 of 4 stars; one submission).

Conditions:
Peroxisome biogenesis disorder 2B (PBD2B). Identifiers: Orphanet 44, MedGen C3550234, MONDO:0008736, OMIM 202370.

Allele frequency attached by ClinVar (database versions not stated): gnomAD exomes below 0.00001; ExAC 0.00001.
gnomAD v4.1: 2 of 1,614,134 alleles (0.00012%); highest among the groups gnomAD compares: Non-Finnish European, 0.00017%; no homozygotes.

Submission:

Labcorp Genetics (formerly Invitae), Labcorp
Classification: Uncertain significance for Peroxisome biogenesis disorder 2B. Last evaluated: 2021-08-20. Review status: criteria provided, single submitter. Criteria: Invitae Variant Classification Sherloc (09022015). Collection method: clinical testing. Allele origin: germline.
Comment: This sequence change replaces methionine with arginine at codon 634 of the PEX5 protein (p.Met634Arg). The methionine residue is weakly conserved and there is a moderate physicochemical difference between methionine and arginine. This variant is present in population databases (rs751798701, ExAC 0.002%). This variant has not been reported in the literature in individuals affected with PEX5-related conditions. Algorithms developed to predict the effect of missense changes on protein structure and function (SIFT, PolyPhen-2, Align-GVGD) all suggest that this variant is likely to be tolerated. Algorithms developed to predict the effect of sequence changes on RNA splicing suggest that this variant may create or strengthen a splice site. In summary, the available evidence is currently insufficient to determine the role of this variant in disease. Therefore, it has been classified as a Variant of Uncertain Significance.